The following is an entry in ClinVar:

NM_001377.3(DYNC2H1):c.4231T>C (p.Cys1411Arg)

Gene: DYNC2H1 (dynein cytoplasmic 2 heavy chain 1; plus strand). Cytogenetic location: 11q22.3.
Variant type: single nucleotide variant.
Coding change: c.4231T>C on transcript NM_001377.3 (MANE Select); coding-DNA position 4231, T replaced by C.
Protein change: p.Cys1411Arg; replaces cysteine 1411 with arginine.
Molecular consequence: missense variant.
Genome position (GRCh38, 1-based): chr11:103,158,780, T>C. VCF-style: chr11-103158780-T-C. GRCh37 (hg19) VCF-style: chr11-103029509-T-C.
Other names: c.4231T>C, p.Cys1411Arg (NM_001080463.2); short protein forms C1411R.
Identifiers: ClinVar variation 1031036 (VCV001031036.1), dbSNP rs1860951602, ClinGen allele CA382276214.

ClinVar aggregate classification (germline): Uncertain significance (1 of 4 stars; one submission).

Conditions:
Asphyxiating thoracic dystrophy 3. Also called: SHORT-RIB THORACIC DYSPLASIA 3 WITH OR WITHOUT POLYDACTYLY; POLYDACTYLY WITH NEONATAL CHONDRODYSTROPHY, TYPE I; SHORT-RIB THORACIC DYSPLASIA 3/6 WITH POLYDACTYLY, DIGENIC; Short rib polydactyly syndrome 2B; Saldino-Noonan Syndrome. Identifiers: Orphanet 474, Orphanet 93269, Orphanet 93270, Orphanet 93271, MedGen C0036069, MONDO:0013127, OMIM 613091.

Submission:

Baylor Genetics
Classification: Uncertain significance for Asphyxiating thoracic dystrophy 3. Last evaluated: 2020-06-08. Review status: criteria provided, single submitter. Criteria: ACMG Guidelines, 2015. Collection method: clinical testing. Allele origin: unknown. Affected: yes.
Comment: This variant was determined to be of uncertain significance according to ACMG Guidelines, 2015 [PMID:25741868].